The following is an entry in ClinVar:

NM_153252.5(BRWD3):c.*3483G>A

Gene: BRWD3 (bromodomain and WD repeat domain containing 3; minus strand). Cytogenetic location: Xq21.1.
Variant type: single nucleotide variant.
Coding change: c.*3483G>A on transcript NM_153252.5 (MANE Select); 3483 bases downstream of the stop codon, G replaced by A.
Molecular consequence: 3 prime UTR variant.
Genome position (GRCh38, 1-based): chrX:80,673,126, C>T on the plus strand (G>A on the coding strand, the complement: BRWD3 is on the minus strand). VCF-style: chrX-80673126-C-T. GRCh37 (hg19) VCF-style: chrX-79928625-C-T.
Identifiers: ClinVar variation 368702 (VCV000368702.6), dbSNP rs116559809, ClinGen allele CA10652058.
Genomic context (GRCh38, chrX:80,673,126, plus strand): 5'-TCTGATGACAATCTATGGGATTAAAACAAAAACAACAAAAAGATAAATAACAGAAACGTA[C>T]TTAAAAGTATTAGAAGGCTGAGTTAAATATCTGAGCGCACAGTTGTGCAGAATGAGATTT-3'

ClinVar aggregate classification (germline): Benign. Review status: criteria provided, multiple submitters, no conflicts (2 of 4 stars). 2 submissions from 2 submitters: Benign (2). Last evaluated 2017-04-27.

Conditions:
Intellectual developmental disorder, X-linked 93. Also called: MENTAL RETARDATION, X-LINKED, WITH MACROCEPHALY; Intellectual disability, X-linked 93. Identifiers: MedGen C1970841, MONDO:0010393, OMIM 300659.

Allele frequency attached by ClinVar (database versions not stated): gnomAD 0.02747 and 0.02942; 1000 Genomes Project 30x 0.03309; 1000 Genomes Project 0.02993; TOPMed 0.03062.

Submissions (2):

Illumina Laboratory Services, Illumina
Classification: Benign for Intellectual developmental disorder, X-linked 93. Last evaluated: 2017-04-27. Review status: criteria provided, single submitter. Criteria: ICSL Variant Classification Criteria 13 December 2019. Collection method: clinical testing. Allele origin: germline.
Comment: This variant was observed as part of a predisposition screen in an ostensibly healthy population. A literature search was performed for the gene, cDNA change, and amino acid change (where applicable). No publications were found based on this search. Allele frequency data from public databases was too high to be consistent with this variant causing disease. Therefore, this variant is classified as benign.

Breakthrough Genomics
Classification: Benign. Review status: criteria provided, single submitter. Criteria: ACMG Guidelines, 2015. Collection method: not provided. Allele origin: germline. Inheritance: X-linked inheritance. Affected: yes.